The following is an entry in ClinVar:

NM_001206999.2(CIT):c.1402-7A>C

Gene: CIT (citron rho-interacting serine/threonine kinase; minus strand). Cytogenetic location: 12q24.23.
Variant type: single nucleotide variant.
Coding change: c.1402-7A>C on transcript NM_001206999.2 (MANE Select); 7 bases into the intron before coding-DNA position 1402, A replaced by C.
Molecular consequence: intron variant.
Genome position (GRCh38, 1-based): chr12:119,784,058, T>G on the plus strand (A>C on the coding strand, the complement: CIT is on the minus strand). VCF-style: chr12-119784058-T-G. GRCh37 (hg19) VCF-style: chr12-120221862-T-G.
Other names: c.1402-7A>C (NM_007174.3).
Identifiers: ClinVar variation 4997440 (VCV004997440.1).

ClinVar aggregate classification (germline): Likely benign (1 of 4 stars; one submission).

Conditions:
CIT-related disorder. Also called: CIT-related condition.

Submission:

PreventionGenetics, part of Exact Sciences
Classification: Likely benign for CIT-related condition. Last evaluated: 2024-11-18. Review status: criteria provided, single submitter. Criteria: ACMG Guidelines, 2015. Collection method: clinical testing. Allele origin: germline.
Comment: This variant is classified as likely benign based on ACMG/AMP sequence variant interpretation guidelines (Richards et al. 2015 PMID: 25741868, with internal and published modifications).